The following is an entry in ClinVar:

ClinVar aggregate classification (germline): Uncertain significance (1 of 4 stars; one submission).

Conditions:
Bardet-Biedl syndrome (BBS). Identifiers: Orphanet 110, MedGen C0752166, MONDO:0015229.
McKusick-Kaufman syndrome (MKKS). Also called: HYDROMETROCOLPOS SYNDROME; HYDROMETROCOLPOS, POSTAXIAL POLYDACTYLY, AND CONGENITAL HEART MALFORMATION. Identifiers: Orphanet 2473, MedGen C0948368, MONDO:0009367, OMIM 236700.

Submission:

Labcorp Genetics (formerly Invitae), Labcorp
Classification: Uncertain significance for McKusick-Kaufman syndrome; Bardet-Biedl syndrome. Last evaluated: 2022-07-06. Review status: criteria provided, single submitter. Criteria: Invitae Variant Classification Sherloc (09022015). Collection method: clinical testing. Allele origin: germline.
Comment: ClinVar contains an entry for this variant (Variation ID: 1347170). Algorithms developed to predict the effect of missense changes on protein structure and function are either unavailable or do not agree on the potential impact of this missense change (SIFT: "Deleterious"; PolyPhen-2: "Probably Damaging"; Align-GVGD: "Class C0"). In summary, the available evidence is currently insufficient to determine the role of this variant in disease. Therefore, it has been classified as a Variant of Uncertain Significance. This variant has not been reported in the literature in individuals affected with MKKS-related conditions. This sequence change replaces leucine, which is neutral and non-polar, with arginine, which is basic and polar, at codon 43 of the MKKS protein (p.Leu43Arg). This variant is not present in population databases (gnomAD no frequency).

NM_170784.3(MKKS):c.128T>G (p.Leu43Arg)

Gene: MKKS (MKKS centrosomal shuttling protein; minus strand). Cytogenetic location: 20p12.2.
Variant type: single nucleotide variant.
Coding change: c.128T>G on transcript NM_170784.3 (MANE Select); coding-DNA position 128, T replaced by G.
Protein change: p.Leu43Arg; replaces leucine 43 with arginine.
Molecular consequence: missense variant.
Genome position (GRCh38, 1-based): chr20:10,413,387, A>C on the plus strand (T>G on the coding strand, the complement: MKKS is on the minus strand). VCF-style: chr20-10413387-A-C. GRCh37 (hg19) VCF-style: chr20-10394035-A-C.
Other names: c.128T>G, p.Leu43Arg (NM_018848.3); short protein forms L43R.
Identifiers: ClinVar variation 1347170 (VCV001347170.6), dbSNP rs1364157544, ClinGen allele CA408233777.